The following is an entry in ClinVar:

NM_032119.4(ADGRV1):c.14185G>A (p.Asp4729Asn)

Gene: ADGRV1 (adhesion G protein-coupled receptor V1; plus strand). Cytogenetic location: 5q14.3.
Variant type: single nucleotide variant.
Coding change: c.14185G>A on transcript NM_032119.4 (MANE Select); coding-DNA position 14185, G replaced by A.
Protein change: p.Asp4729Asn; replaces aspartic acid 4729 with asparagine.
Molecular consequence: missense variant. On other transcripts: non-coding transcript variant (1).
Genome position (GRCh38, 1-based): chr5:90,791,014, G>A. VCF-style: chr5-90791014-G-A. GRCh37 (hg19) VCF-style: chr5-90086831-G-A.
Other names: short protein forms D4729N.
Identifiers: ClinVar variation 227392 (VCV000227392.7), dbSNP rs778820230, ClinGen allele CA3341682.

ClinVar aggregate classification (germline): Conflicting classifications of pathogenicity. Review status: criteria provided, conflicting classifications (1 of 4 stars). 3 submissions from 3 submitters: Uncertain significance (2); Likely benign (1). Last evaluated 2025-06-05.

Conditions:
Inborn genetic diseases. Identifiers: MedGen C0950123, MeSH D030342.

Allele frequency attached by ClinVar (database versions not stated): gnomAD exomes 0.00001; TOPMed 0.00001; ExAC 0.00003.
gnomAD v4.1: 20 of 1,613,900 alleles (0.0012%); highest among the groups gnomAD compares: Admixed American, 0.0017%; no homozygotes.

Submissions (3):

Ambry Genetics
Classification: Uncertain significance for Inborn genetic diseases. Last evaluated: 2025-06-05. Review status: criteria provided, single submitter. Criteria: Ambry Variant Classification Scheme 2023. Collection method: clinical testing. Allele origin: germline.

Labcorp Genetics (formerly Invitae), Labcorp
Classification: Uncertain significance. Last evaluated: 2022-07-15. Review status: criteria provided, single submitter. Criteria: Invitae Variant Classification Sherloc (09022015). Collection method: clinical testing. Allele origin: germline.
Comment: This sequence change replaces aspartic acid, which is acidic and polar, with asparagine, which is neutral and polar, at codon 4729 of the ADGRV1 protein (p.Asp4729Asn). The frequency data for this variant in the population databases is considered unreliable, as metrics indicate poor data quality at this position in the gnomAD database. This variant has not been reported in the literature in individuals affected with ADGRV1-related conditions. ClinVar contains an entry for this variant (Variation ID: 227392). Algorithms developed to predict the effect of missense changes on protein structure and function output the following: SIFT: "Tolerated"; PolyPhen-2: "Benign"; Align-GVGD: "Class C0". The asparagine amino acid residue is found in multiple mammalian species, which suggests that this missense change does not adversely affect protein function. In summary, the available evidence is currently insufficient to determine the role of this variant in disease. Therefore, it has been classified as a Variant of Uncertain Significance.

Laboratory for Molecular Medicine, Mass General Brigham Personalized Medicine
Classification: Likely benign. Last evaluated: 2016-01-28. Review status: criteria provided, single submitter. Criteria: LMM Criteria. Collection method: clinical testing. Allele origin: germline. Observed: 1 variant allele.
Comment: p.Asp4729Asn in exon 70 of GPR98: This variant is not expected to have clinical significance due to a lack of conservation across species, including mammals. Of note, >5 mammals have a Asparagine (Asn) at this position despite high nearby a mino acid conservation. In addition, computational prediction tools do not sugge st a high likelihood of impact to the protein.